The following is an entry in ClinVar:

ClinVar aggregate classification (germline): Pathogenic. Review status: criteria provided, multiple submitters, no conflicts (2 of 4 stars). 2 submissions from 2 submitters: Pathogenic (2). Last evaluated 2025-04-17.

Conditions:
Emery-Dreifuss muscular dystrophy 2, autosomal dominant (EDMD2). Also called: MUSCULAR DYSTROPHY WITH EARLY CONTRACTURES AND CARDIOMYOPATHY, AUTOSOMAL DOMINANT; SCAPULOILIOPERONEAL ATROPHY WITH CARDIOPATHY; Benign scapuloperoneal muscular dystrophy with cardiomyopathy; LMNA-Related Emery-Dreifuss Muscular Dystrophy, Autosomal; HAUPTMANN-THANNHAUSER MUSCULAR DYSTROPHY; Limb-girdle muscular dystrophy, type 1B. Identifiers: Orphanet 261, Orphanet 264, MedGen C0410190, MONDO:0021569, OMIM 181350.

Submissions (2):

Variantyx, Inc.
Classification: Pathogenic for Emery-Dreifuss muscular dystrophy 2, autosomal dominant. Last evaluated: 2025-04-17. Review status: criteria provided, single submitter. Criteria: Variantyx Assertion Criteria 2022. Collection method: clinical testing. Allele origin: de novo. Inheritance: Autosomal dominant inheritance. Affected: yes.
Comment: This is a nonsynonymous variant in the LMNA gene (OMIM: 150330). Pathogenic variants in this gene have been associated with autosomal dominant Emery-Dreifuss muscular dystrophy 2. This variant has been reported in at least 3 unrelated affected individuals (PMID: 18646565, 22186027) (PS4_Moderate). Functional studies have shown that this variant alters LMNA protein function (PMID: 34862408, 32475984, 25996830, 30218058, 22186027) (PS3) and multiple computational algorithms predict a deleterious effect for this variant (REVEL score: 0.96) (PP3). This variant is absent from control populations (PM2). Based on the current evidence, this variant is classified as pathogenic for autosomal dominant Emery-Dreifuss muscular dystrophy 2.

GeneDx
Classification: Pathogenic. Last evaluated: 2016-03-02. Review status: criteria provided, single submitter. Criteria: GeneDx Variant Classification (06012015). Collection method: clinical testing. Allele origin: germline. Affected: yes.
Comment: The W514R pathogenic variant has been previously reported in multiple individuals with laminopathy, specifically LGMD1B (Astejada et al.,2007; LMNA UMD). Functional studies have demonstrated that W514R leads to abnormal protein function and aggregation (Dialynas et al., 2012). The W514R variant was not observed in approximately 6,500 individuals of European and African American ancestry in the NHLBI Exome Sequencing Project, indicating it is not a common benign variant in these populations. Another nucleotide substitution, c.1540T>A that also results in W514R, was previously reported as a de novo change in an individual with a myopathic gait and proximal weakness in early childhood (Tan et al., 2015). Missense variants in nearby residues (L512P, K515E) have been reported in the Human Gene Mutation Database in association with LMNA-related disorders (Stenson et al., 2014), supporting the functional importance of this region of the protein. The W514R variant is a non-conservative amino acid substitution, which is likely to impact secondary protein structure as these residues differ in polarity, charge, size and/or other properties. This substitution occurs at a position that is conserved across species, and in silico analysis predicts this variant is probably damaging to the protein structure/function. Therefore, the presence of W514R is consistent with a diagnosis of a LMNA-related disorder

Literature cited by the submitters: PubMed 18646565 (cited by Variantyx, Inc.); PubMed 22186027 (cited by Variantyx, Inc.); PubMed 34862408 (cited by Variantyx, Inc.); PubMed 32475984 (cited by Variantyx, Inc.); PubMed 25996830 (cited by Variantyx, Inc.); PubMed 30218058 (cited by Variantyx, Inc.); PubMed 26098624 (cited by Variantyx, Inc.).

NM_170707.4(LMNA):c.1540T>C (p.Trp514Arg)

Gene: LMNA (lamin A/C; plus strand). Cytogenetic location: 1q22.
Variant type: single nucleotide variant.
Coding change: c.1540T>C on transcript NM_170707.4 (MANE Select); coding-DNA position 1540, T replaced by C.
Protein change: p.Trp514Arg; replaces tryptophan 514 with arginine.
Molecular consequence: missense variant.
Genome position (GRCh38, 1-based): chr1:156,137,164, T>C. VCF-style: chr1-156137164-T-C. GRCh37 (hg19) VCF-style: chr1-156106955-T-C.
Other names: c.1204T>C, p.Trp402Arg (NM_001257374.3); c.1297T>C, p.Trp433Arg (NM_001282624.2); c.1540T>C, p.Trp514Arg (NM_001282625.2, NM_001282626.2, NM_005572.4 and 1 more transcripts); short protein forms W514R, W433R, W402R.
Identifiers: ClinVar variation 246077 (VCV000246077.2), dbSNP rs879254082, ClinGen allele CA10584133.